The following is an entry in ClinVar:

NM_004380.3(CREBBP):c.3518G>T (p.Arg1173Leu)

Gene: CREBBP (CREB binding lysine acetyltransferase; minus strand). Cytogenetic location: 16p13.3.
Variant type: single nucleotide variant.
Coding change: c.3518G>T on transcript NM_004380.3 (MANE Select); coding-DNA position 3518, G replaced by T.
Protein change: p.Arg1173Leu; replaces arginine 1173 with leucine.
Molecular consequence: missense variant.
Genome position (GRCh38, 1-based): chr16:3,757,900, C>A on the plus strand (G>T on the coding strand, the complement: CREBBP is on the minus strand). VCF-style: chr16-3757900-C-A. GRCh37 (hg19) VCF-style: chr16-3807901-C-A.
Other names: c.3404G>T, p.Arg1135Leu (NM_001079846.1); short protein forms R1135L, R1173L.
Identifiers: ClinVar variation 4538896 (VCV004538896.1).
Genomic context (GRCh38, chr16:3,757,900, plus strand): 5'-ATGACAGGGTCAATTTCCTGCTCAAAGACCTCTGCAAGCTTACTGCAAAACTTATAGACT[C>A]GGGATGTCTTGCGATTATAGAGCCAGGCATTGTTGAACATGAGCCAGACGTCGTCCACGT-3'
Protein context (NP_004371.2, residues 1163-1183): NAWLYNRKTS[Arg1173Leu]VYKFCSKLAE

ClinVar aggregate classification (germline): Uncertain significance (1 of 4 stars; one submission).

Submission:

GeneDx
Classification: Uncertain significance. Last evaluated: 2025-06-18. Review status: criteria provided, single submitter. Criteria: GeneDx Variant Classification Process June 2021. Collection method: clinical testing. Allele origin: germline. Affected: yes.
Comment: Not observed at significant frequency in large population cohorts (gnomAD); In silico analysis supports that this missense variant has a deleterious effect on protein structure/function; Has not been previously published as pathogenic or benign to our knowledge